The following is an entry in ClinVar:

ClinVar aggregate classification (germline): Uncertain significance. Review status: criteria provided, multiple submitters, no conflicts (2 of 4 stars). 3 submissions from 3 submitters: Uncertain significance (3). Last evaluated 2022-08-02.

Conditions:
Charcot-Marie-Tooth disease type 4. Also called: Charcot-Marie-Tooth disease, type IV; Charcot-Marie-Tooth, Type 4. Identifiers: Orphanet 64749, MedGen C4082197, MONDO:0018995.

Allele frequency attached by ClinVar (database versions not stated): ExAC 0.00001; gnomAD 0.00001; gnomAD exomes 0.00001; TOPMed 0.00005.
gnomAD v4.1: 15 of 1,613,642 alleles (0.00093%); highest among the groups gnomAD compares: African/African-American, 0.0027%; no homozygotes.

Submissions (3):

Labcorp Genetics (formerly Invitae), Labcorp
Classification: Uncertain significance for Charcot-Marie-Tooth disease type 4. Last evaluated: 2022-08-02. Review status: criteria provided, single submitter. Criteria: Invitae Variant Classification Sherloc (09022015). Collection method: clinical testing. Allele origin: germline.
Comment: In summary, the available evidence is currently insufficient to determine the role of this variant in disease. Therefore, it has been classified as a Variant of Uncertain Significance. Algorithms developed to predict the effect of sequence changes on RNA splicing suggest that this variant may create or strengthen a splice site. Algorithms developed to predict the effect of missense changes on protein structure and function (SIFT, PolyPhen-2, Align-GVGD) all suggest that this variant is likely to be disruptive. ClinVar contains an entry for this variant (Variation ID: 1056530). This variant has not been reported in the literature in individuals affected with FGD4-related conditions. This variant is present in population databases (rs756169087, gnomAD 0.002%). This sequence change replaces arginine, which is basic and polar, with glutamine, which is neutral and polar, at codon 275 of the FGD4 protein (p.Arg275Gln).

Clinical Genetics Laboratory, Skane University Hospital Lund
Classification: Uncertain significance. Last evaluated: 2022-07-13. Review status: criteria provided, single submitter. Criteria: ACMG Guidelines, 2015. Collection method: clinical testing. Allele origin: germline. Affected: yes.

Blueprint Genetics
Classification: Uncertain significance. Last evaluated: 2021-10-06. Review status: criteria provided, single submitter. Criteria: ACMG Guidelines, 2015. Collection method: clinical testing. Allele origin: germline.

NM_001370298.3(FGD4):c.1235G>A (p.Arg412Gln)

Gene: FGD4 (FYVE, RhoGEF and PH domain containing 4; plus strand). Cytogenetic location: 12p11.21.
Variant type: single nucleotide variant.
Coding change: c.1235G>A on transcript NM_001370298.3 (MANE Select); coding-DNA position 1235, G replaced by A.
Protein change: p.Arg412Gln; replaces arginine 412 with glutamine.
Molecular consequence: missense variant. On other transcripts: 5 prime UTR variant (1).
Genome position (GRCh38, 1-based): chr12:32,601,411, G>A. VCF-style: chr12-32601411-G-A. GRCh37 (hg19) VCF-style: chr12-32754345-G-A.
Other names: c.1079G>A, p.Arg360Gln (NM_001304481.2); c.80G>A, p.Arg27Gln (NM_001304483.2); c.-228G>A (NM_001304484.2); c.545G>A, p.Arg182Gln (NM_001330373.2, NM_001330374.2, NM_001384130.1); c.272G>A, p.Arg91Gln (NM_001370297.1); c.1235G>A, p.Arg412Gln (NM_001384126.1); c.824G>A, p.Arg275Gln (NM_001384127.1, NM_001384128.1, NM_001385118.1 and 1 more transcripts); short protein forms R182Q, R275Q, R27Q, R360Q, R412Q, R91Q.
Identifiers: ClinVar variation 1056530 (VCV001056530.12), dbSNP rs756169087, ClinGen allele CA6506721.